The following is an entry in ClinVar:

NM_181507.2(HPS5):c.1323+1G>C

Gene: HPS5 (HPS5 biogenesis of lysosomal organelles complex 2 subunit 2; minus strand). Cytogenetic location: 11p15.1.
Variant type: single nucleotide variant.
Coding change: c.1323+1G>C on transcript NM_181507.2 (MANE Select); the canonical splice donor site of the intron after coding-DNA position 1323, G replaced by C.
Molecular consequence: splice donor variant.
Genome position (GRCh38, 1-based): chr11:18,297,558, C>G on the plus strand (G>C on the coding strand, the complement: HPS5 is on the minus strand). VCF-style: chr11-18297558-C-G. GRCh37 (hg19) VCF-style: chr11-18319105-C-G.
Other names: c.909+1G>C (NM_001440929.1, NM_001440928.1, NM_001440927.1); c.981+1G>C (NM_181508.2, NM_001440921.1, NM_001440926.1 and 7 more transcripts); c.1212+1G>C (NM_001440915.1, NM_001440914.1, NM_001440913.1); c.1323+1G>C (NM_001440931.1, NM_001440917.1, NM_001440906.1 and 5 more transcripts); c.1248+1G>C (NM_001440907.1, NM_001440909.1, NM_001440908.1); c.1110+1G>C (NM_001440919.1); c.1137+1G>C (NM_001440918.1).
Identifiers: ClinVar variation 2032941 (VCV002032941.4), dbSNP rs1185489584, ClinGen allele CA379496110.

ClinVar aggregate classification (germline): Likely pathogenic (1 of 4 stars; one submission).

gnomAD v4.1: 1 of 1,613,164 alleles (0.000062%); no homozygotes.

Submission:

Labcorp Genetics (formerly Invitae), Labcorp
Classification: Likely pathogenic. Last evaluated: 2022-09-27. Review status: criteria provided, single submitter. Criteria: Invitae Variant Classification Sherloc (09022015). Collection method: clinical testing. Allele origin: germline.
Comment: This variant is not present in population databases (gnomAD no frequency). This variant has not been reported in the literature in individuals affected with HPS5-related conditions. Algorithms developed to predict the effect of sequence changes on RNA splicing suggest that this variant may disrupt the consensus splice site. In summary, the currently available evidence indicates that the variant is pathogenic, but additional data are needed to prove that conclusively. Therefore, this variant has been classified as Likely Pathogenic. This sequence change affects a donor splice site in intron 11 of the HPS5 gene. It is expected to disrupt RNA splicing. Variants that disrupt the donor or acceptor splice site typically lead to a loss of protein function (PMID: 16199547), and loss-of-function variants in HPS5 are known to be pathogenic (PMID: 12548288, 15296495, 21833017, 26785811).

Literature cited by the submitters: PubMed 16199547; PubMed 12548288; PubMed 15296495; PubMed 21833017; PubMed 26785811.